The following is an entry in ClinVar:

ClinVar aggregate classification (germline): Benign (1 of 4 stars; one submission).

Conditions:
Sessile serrated polyposis cancer syndrome (SSPCS). Identifiers: Orphanet 157798, MedGen C4310714, MONDO:0014919, OMIM 617108.

Submission:

Myriad Genetics, Inc.
Classification: Benign for Sessile serrated polyposis cancer syndrome. Last evaluated: 2026-07-02. Review status: criteria provided, single submitter. Criteria: Myriad Autosomal Dominant, Autosomal Recessive and X-Linked Classification Criteria (2023). Collection method: clinical testing. Allele origin: unknown.
Comment: This variant is considered benign. This variant is a silent/synonymous amino acid change and it is not expected to impact splicing.

NM_017763.6(RNF43):c.1992C>A (p.Thr664=)

Gene: RNF43 (ring finger protein 43; minus strand). Cytogenetic location: 17q22.
Variant type: single nucleotide variant.
Coding change: c.1992C>A on transcript NM_017763.6 (MANE Select); coding-DNA position 1992, C replaced by A.
Protein change: p.Thr664=; no amino-acid change (threonine 664 retained).
Molecular consequence: synonymous variant.
Genome position (GRCh38, 1-based): chr17:58,357,784, G>T on the plus strand (C>A on the coding strand, the complement: RNF43 is on the minus strand). VCF-style: chr17-58357784-G-T. GRCh37 (hg19) VCF-style: chr17-56435145-G-T.
Other names: c.1992C>A, p.Thr664= (NM_001305544.3, NM_001438820.1, NM_001438821.1 and 1 more transcripts); c.1611C>A, p.Thr537= (NM_001305545.2, NM_001437987.1).
Identifiers: ClinVar variation 5042403 (VCV005042403.1).